The following is an entry in ClinVar:

NM_032122.5(DTNBP1):c.283G>A (p.Val95Met)

Gene: DTNBP1 (dystrobrevin binding protein 1; minus strand). Cytogenetic location: 6p22.3.
Variant type: single nucleotide variant.
Coding change: c.283G>A on transcript NM_032122.5 (MANE Select); coding-DNA position 283, G replaced by A.
Protein change: p.Val95Met; replaces valine 95 with methionine.
Molecular consequence: missense variant. On other transcripts: non-coding transcript variant (1).
Genome position (GRCh38, 1-based): chr6:15,627,415, C>T on the plus strand (G>A on the coding strand, the complement: DTNBP1 is on the minus strand). VCF-style: chr6-15627415-C-T. GRCh37 (hg19) VCF-style: chr6-15627646-C-T.
Other names: c.40G>A, p.Val14Met (NM_001271667.2); c.232G>A, p.Val78Met (NM_001271668.2); c.178G>A, p.Val60Met (NM_001271669.2); c.283G>A, p.Val95Met (NM_183040.2); short protein forms V95M, V14M, V60M, V78M.
Identifiers: ClinVar variation 1518162 (VCV001518162.6), dbSNP rs144660230, ClinGen allele CA3644178.
Genomic context (GRCh38, chr6:15,627,415, plus strand): 5'-TCATGGATTCTAAGTCTGCGATTAAAGCTGGGAGCTGCTGGAGCTGCTCTTGCAGCTCCA[C>T]GAGGCTTGTCTTTTTCTTCTCCCAGTGCGCAGAAAGCATGACCACCTCGCTATCCACCAG-3'
Protein context (NP_115498.2, residues 85-105): AHWEKKKTSL[Val95Met]ELQEQLQQLP

ClinVar aggregate classification (germline): Uncertain significance. Review status: criteria provided, multiple submitters, no conflicts (2 of 4 stars). 2 submissions from 2 submitters: Uncertain significance (2). Last evaluated 2026-01-19.

Allele frequency attached by ClinVar (database versions not stated): gnomAD exomes 0.00005 and 0.00007; ExAC 0.00008; ESP Exome Variant Server 0.00008; gnomAD 0.00009 and 0.00011; TOPMed 0.00009; 1000 Genomes Project 0.00020; 1000 Genomes Project 30x 0.00031.
gnomAD v4.1: 92 of 1,613,956 alleles (0.0057%); highest among the groups gnomAD compares: African/African-American, 0.027%; no homozygotes.

Submissions (2):

Women's Health and Genetics/Laboratory Corporation of America, LabCorp
Classification: Uncertain significance. Last evaluated: 2026-01-19. Review status: criteria provided, single submitter. Criteria: LabCorp Variant Classification Summary - May 2015. Collection method: clinical testing. Allele origin: germline.
Comment: Variant summary: DTNBP1 c.283G>A (p.Val95Met) results in a conservative amino acid change in the encoded protein sequence. Algorithms developed to predict the effect of missense changes on protein structure and function all suggest that this variant is likely to be tolerated. The variant allele was found at a frequency of 6.8e-05 in 250850 control chromosomes. This frequency is not significantly higher than estimated for disease-causing variants in DTNBP1, allowing no conclusion about variant significance. To our knowledge, no occurrence of c.283G>A in individuals affected with DTNBP1-related conditions and no experimental evidence demonstrating its impact on protein function have been reported. ClinVar contains an entry for this variant (Variation ID: 1518162). Based on the evidence outlined above, the variant was classified as uncertain significance.

Labcorp Genetics (formerly Invitae), Labcorp
Classification: Uncertain significance. Last evaluated: 2022-07-19. Review status: criteria provided, single submitter. Criteria: Invitae Variant Classification Sherloc (09022015). Collection method: clinical testing. Allele origin: germline.
Comment: This sequence change replaces valine, which is neutral and non-polar, with methionine, which is neutral and non-polar, at codon 95 of the DTNBP1 protein (p.Val95Met). This variant is present in population databases (rs144660230, gnomAD 0.05%). This variant has not been reported in the literature in individuals affected with DTNBP1-related conditions. ClinVar contains an entry for this variant (Variation ID: 1518162). Algorithms developed to predict the effect of missense changes on protein structure and function output the following: SIFT: "Tolerated"; PolyPhen-2: "Benign"; Align-GVGD: "Class C0". The methionine amino acid residue is found in multiple mammalian species, which suggests that this missense change does not adversely affect protein function. In summary, the available evidence is currently insufficient to determine the role of this variant in disease. Therefore, it has been classified as a Variant of Uncertain Significance.